The following is an entry in ClinVar:

ClinVar aggregate classification (germline): Pathogenic/Likely pathogenic. Review status: criteria provided, multiple submitters, no conflicts (2 of 4 stars). 3 submissions from 3 submitters: Pathogenic (2); Likely pathogenic (1). Last evaluated 2026-03-07.

Conditions:
RHO-related disorder. Also called: RHO-related condition.

Submissions (3):

GeneDx
Classification: Likely pathogenic. Last evaluated: 2026-03-07. Review status: criteria provided, single submitter. Criteria: GeneDx Variant Classification Process June 2021. Collection method: clinical testing. Allele origin: germline.
Comment: Nonsense variant predicted to result in protein truncation, as the last 10 amino acid(s) are lost, and other loss-of-function variants have been reported downstream in HGMD; Not observed at significant frequency in large population cohorts (gnomAD); This variant is associated with the following publications: (PMID: 34635090)

Labcorp Genetics (formerly Invitae), Labcorp
Classification: Pathogenic. Last evaluated: 2025-02-10. Review status: criteria provided, single submitter. Criteria: Invitae Variant Classification Sherloc (09022015). Collection method: clinical testing. Allele origin: germline.
Comment: This sequence change creates a premature translational stop signal (p.Lys339*) in the RHO gene. While this is not anticipated to result in nonsense mediated decay, it is expected to disrupt the last 10 amino acid(s) of the RHO protein. This variant is not present in population databases (gnomAD no frequency). This premature translational stop signal has been observed in individuals with autosomal dominant retinitis pigmentosa (PMID: 34635090; internal data). It has also been observed to segregate with disease in related individuals. ClinVar contains an entry for this variant (Variation ID: 1504459). For these reasons, this variant has been classified as Pathogenic.

Blueprint Genetics
Classification: Pathogenic for RHO-related disorders. Last evaluated: 2021-11-09. Review status: criteria provided, single submitter. Criteria: ACMG Guidelines, 2015. Collection method: clinical testing. Allele origin: germline. Affected: yes. Observed: 1 variant allele.

Literature cited by the submitters: PubMed 34635090 (cited by Labcorp Genetics (formerly Invitae), Labcorp).

NM_000539.3(RHO):c.1015A>T (p.Lys339Ter)

Gene: RHO (rhodopsin; plus strand). Cytogenetic location: 3q22.1.
Variant type: single nucleotide variant.
Coding change: c.1015A>T on transcript NM_000539.3 (MANE Select); coding-DNA position 1015, A replaced by T.
Protein change: p.Lys339Ter; replaces lysine 339 with a stop codon.
Molecular consequence: nonsense.
Genome position (GRCh38, 1-based): chr3:129,533,686, A>T. VCF-style: chr3-129533686-A-T. GRCh37 (hg19) VCF-style: chr3-129252529-A-T.
Other names: short protein forms K339*.
Identifiers: ClinVar variation 1504459 (VCV001504459.7), dbSNP rs2084801237, ClinGen allele CA354471230.